The following is an entry in ClinVar:

NM_000642.3(AGL):c.958+1G>T

Gene: AGL (amylo-alpha-1,6-glucosidase and 4-alpha-glucanotransferase; plus strand). Cytogenetic location: 1p21.2.
Variant type: single nucleotide variant.
Coding change: c.958+1G>T on transcript NM_000642.3 (MANE Select); the canonical splice donor site of the intron after coding-DNA position 958, G replaced by T.
Molecular consequence: splice donor variant.
Genome position (GRCh38, 1-based): chr1:99,870,870, G>T. VCF-style: chr1-99870870-G-T. GRCh37 (hg19) VCF-style: chr1-100336426-G-T.
Other names: c.754+1G>T (NM_001425328.1, NM_001425329.1); c.580+1G>T (NM_001425332.1); c.958+1G>T (NM_001425325.1, NM_000028.3, NM_000643.3 and 3 more transcripts); c.910+1G>T (NM_000646.3).
Identifiers: ClinVar variation 844910 (VCV000844910.8), dbSNP rs1553184657, ClinGen allele CA341341940.

ClinVar aggregate classification (germline): Pathogenic (1 of 4 stars; one submission).

Conditions:
Glycogen storage disease type III (GSD3). Also called: FORBES DISEASE; Cori disease. Identifiers: Orphanet 366, MedGen C0017922, MONDO:0009291, OMIM 232400.

Allele frequency attached by ClinVar (database versions not stated): gnomAD exomes 0.00001.
gnomAD v4.1: 7 of 1,539,452 alleles (0.00045%); highest among the groups gnomAD compares: Non-Finnish European, 0.00063%; no homozygotes.

Submission:

Labcorp Genetics (formerly Invitae), Labcorp
Classification: Pathogenic for Glycogen storage disease type III. Last evaluated: 2022-09-12. Review status: criteria provided, single submitter. Criteria: Invitae Variant Classification Sherloc (09022015). Collection method: clinical testing. Allele origin: germline.
Comment: This variant is not present in population databases (gnomAD no frequency). For these reasons, this variant has been classified as Pathogenic. Algorithms developed to predict the effect of sequence changes on RNA splicing suggest that this variant may disrupt the consensus splice site. ClinVar contains an entry for this variant (Variation ID: 844910). Disruption of this splice site has been observed in individuals with glycogen storage disease (PMID: 19834502, 26984562). This sequence change affects a donor splice site in intron 7 of the AGL gene. It is expected to disrupt RNA splicing. Variants that disrupt the donor or acceptor splice site typically lead to a loss of protein function (PMID: 16199547), and loss-of-function variants in AGL are known to be pathogenic (PMID: 19299494).

Literature cited by the submitters: PubMed 19834502; PubMed 26984562; PubMed 16199547; PubMed 19299494.